The following is an entry in ClinVar:

ClinVar aggregate classification (germline): Benign/Likely benign. Review status: criteria provided, multiple submitters, no conflicts (2 of 4 stars). 5 submissions from 5 submitters: Benign (3); Likely benign (2). Last evaluated 2025-08-17.

Conditions:
Tuberous sclerosis syndrome (TSC). Also called: Tuberous Sclerosis Complex; Tuberous sclerosis. Identifiers: Orphanet 805, MedGen C0041341, MONDO:0001734.
Hereditary cancer-predisposing syndrome. Also called: Tumor predisposition; Neoplastic Syndromes, Hereditary; Hereditary Cancer Syndrome; Hereditary neoplastic syndrome. Identifiers: Orphanet 140162, MedGen C0027672, MeSH D009386, MONDO:0015356.
Tuberous sclerosis 1 (TSC1). Identifiers: Orphanet 805, MedGen C1854465, MONDO:0008612, OMIM 191100.

Allele frequency attached by ClinVar (database versions not stated): gnomAD exomes below 0.00001; ExAC 0.00001; TOPMed 0.00002.
gnomAD v4.1: 32 of 1,613,898 alleles (0.002%); highest among the groups gnomAD compares: Non-Finnish European, 0.0027%; no homozygotes.

Submissions (5):

Color Diagnostics, LLC DBA Color Health
Classification: Likely benign for Tuberous sclerosis syndrome. Last evaluated: 2025-08-17. Review status: criteria provided, single submitter. Criteria: ACMG Guidelines, 2015. Collection method: clinical testing. Allele origin: germline.

Labcorp Genetics (formerly Invitae), Labcorp
Classification: Benign for Tuberous sclerosis 1. Last evaluated: 2025-08-15. Review status: criteria provided, single submitter. Criteria: Invitae Variant Classification Sherloc (09022015). Collection method: clinical testing. Allele origin: germline.

Myriad Genetics, Inc.
Classification: Benign for Tuberous sclerosis 1. Last evaluated: 2025-04-09. Review status: criteria provided, single submitter. Criteria: Myriad Autosomal Dominant, Autosomal Recessive and X-Linked Classification Criteria (2023). Collection method: clinical testing. Allele origin: unknown.
Comment: This variant is considered benign. This variant is a silent/synonymous amino acid change and it is not expected to impact splicing.

Genome-Nilou Lab
Classification: Benign for Tuberous sclerosis 1. Last evaluated: 2021-11-07. Review status: criteria provided, single submitter. Criteria: ACMG Guidelines, 2015. Collection method: clinical testing. Allele origin: germline. Affected: no.

Ambry Genetics
Classification: Likely benign for Hereditary cancer-predisposing syndrome. Last evaluated: 2019-01-29. Review status: criteria provided, single submitter. Criteria: Ambry Variant Classification Scheme 2023. Collection method: clinical testing. Allele origin: germline.

NM_000368.5(TSC1):c.1503A>C (p.Gly501=)

Gene: TSC1 (TSC complex subunit 1; minus strand). Cytogenetic location: 9q34.13.
Variant type: single nucleotide variant.
Coding change: c.1503A>C on transcript NM_000368.5 (MANE Select); coding-DNA position 1503, A replaced by C.
Protein change: p.Gly501=; no amino-acid change (glycine 501 retained).
Molecular consequence: synonymous variant.
Genome position (GRCh38, 1-based): chr9:132,906,075, T>G on the plus strand (A>C on the coding strand, the complement: TSC1 is on the minus strand). VCF-style: chr9-132906075-T-G. GRCh37 (hg19) VCF-style: chr9-135781462-T-G.
Other names: c.1500A>C, p.Gly500= (NM_001162426.2); c.1350A>C, p.Gly450= (NM_001162427.2); c.1140A>C, p.Gly380= (NM_001362177.2).
Identifiers: ClinVar variation 416672 (VCV000416672.20), dbSNP rs201810746, ClinGen allele CA028893.